The following is an entry in ClinVar:

ClinVar aggregate classification (germline): Uncertain significance (1 of 4 stars; one submission).

gnomAD v4.1: 20 of 1,611,112 alleles (0.0012%); highest among the groups gnomAD compares: Non-Finnish European, 0.0016%; no homozygotes.

Submission:

Labcorp Genetics (formerly Invitae), Labcorp
Classification: Uncertain significance. Last evaluated: 2025-03-19. Review status: criteria provided, single submitter. Criteria: Invitae Variant Classification Sherloc (09022015). Collection method: clinical testing. Allele origin: germline.
Comment: This sequence change replaces histidine, which is basic and polar, with tyrosine, which is neutral and polar, at codon 852 of the LEMD3 protein (p.His852Tyr). This variant is not present in population databases (gnomAD no frequency). This variant has not been reported in the literature in individuals affected with LEMD3-related conditions. Invitae Evidence Modeling of protein sequence and biophysical properties (such as structural, functional, and spatial information, amino acid conservation, physicochemical variation, residue mobility, and thermodynamic stability) indicates that this missense variant is expected to disrupt LEMD3 protein function with a positive predictive value of 80%. In summary, the available evidence is currently insufficient to determine the role of this variant in disease. Therefore, it has been classified as a Variant of Uncertain Significance.

NM_014319.5(LEMD3):c.2554C>T (p.His852Tyr)

Gene: LEMD3 (LEM domain containing 3; plus strand). Cytogenetic location: 12q14.3.
Variant type: single nucleotide variant.
Coding change: c.2554C>T on transcript NM_014319.5 (MANE Select); coding-DNA position 2554, C replaced by T.
Protein change: p.His852Tyr; replaces histidine 852 with tyrosine.
Molecular consequence: missense variant.
Genome position (GRCh38, 1-based): chr12:65,245,921, C>T. VCF-style: chr12-65245921-C-T. GRCh37 (hg19) VCF-style: chr12-65639701-C-T.
Other names: c.2551C>T, p.His851Tyr (NM_001167614.2); short protein forms H851Y, H852Y.
Identifiers: ClinVar variation 3709483 (VCV003709483.2).